The following is an entry in ClinVar:

NC_000005.10:g.112707373C>T

Gene: APC (APC regulator of Wnt signaling pathway; plus strand). Cytogenetic location: 5q22.2.
Variant type: single nucleotide variant.
Genome position: GRCh38 VCF-style: chr5-112707373-C-T. GRCh37 (hg19) VCF-style: chr5-112043070-C-T.
Identifiers: ClinVar variation 2711237 (VCV002711237.3), dbSNP rs2149628251, ClinGen allele CA650199303.
Genomic context (GRCh38, chr5:112,707,373, plus strand): 5'-TGCAGCACAATTCAGAGAAGGCCAGTAAGTGCTGCAACTGAGACTCGGCTGCCTAGGCAG[C>T]AATGGCTCACGGGACAGAACAGCGAAGCAGTGCCCGGCAAGCGGAGCGCAGCACCCATTG-3'

ClinVar aggregate classification (germline): Uncertain significance (1 of 4 stars; one submission).

Conditions:
Familial adenomatous polyposis 1 (FAP1). Also called: FAMILIAL ADENOMATOUS POLYPOSIS 1, ATTENUATED; POLYPOSIS, ADENOMATOUS INTESTINAL. Identifiers: MedGen C2713442, MONDO:0021056, OMIM 175100. Disease mechanism: loss of function.

Allele frequency attached by ClinVar (database versions not stated): gnomAD exomes 0.00001.

Submission:

Labcorp Genetics (formerly Invitae), Labcorp
Classification: Uncertain significance for Familial adenomatous polyposis 1. Last evaluated: 2025-07-31. Review status: criteria provided, single submitter. Criteria: Invitae Variant Classification Sherloc (09022015). Collection method: clinical testing. Allele origin: germline.
Comment: This variant occurs in a non-coding region of the APC gene. It does not change the encoded amino acid sequence of the APC protein. This variant is not present in population databases (gnomAD no frequency). This variant has not been reported in the literature in individuals affected with APC-related conditions. Experimental studies and prediction algorithms are not available or were not evaluated, and the functional significance of this variant is currently unknown. In summary, the available evidence is currently insufficient to determine the role of this variant in disease. Therefore, it has been classified as a Variant of Uncertain Significance.